The following is an entry in ClinVar:

ClinVar aggregate classification (germline): Likely benign. Review status: criteria provided, multiple submitters, no conflicts (2 of 4 stars). 5 submissions from 5 submitters: Likely benign (4). 1 of the submissions does not count toward it. Last evaluated 2025-05-24.

Conditions:
COQ8A-related disorder. Also called: COQ8A-related condition.

Allele frequency attached by ClinVar (database versions not stated): gnomAD exomes 0.00002 and 0.00005; ExAC 0.00003; TOPMed 0.00006; gnomAD 0.00007; ESP Exome Variant Server 0.00008.
gnomAD v4.1: 82 of 1,612,434 alleles (0.0051%); highest among the groups gnomAD compares: Non-Finnish European, 0.0058%; no homozygotes.

Submissions (5):

Labcorp Genetics (formerly Invitae), Labcorp
Classification: Likely benign. Last evaluated: 2025-05-24. Review status: criteria provided, single submitter. Criteria: Invitae Variant Classification Sherloc (09022015). Collection method: clinical testing. Allele origin: germline.

CeGaT Center for Human Genetics Tuebingen
Classification: Likely benign. Last evaluated: 2024-06-01. Review status: criteria provided, single submitter. Criteria: CeGaT Center For Human Genetics Tuebingen Variant Classification Criteria Version 2. Collection method: clinical testing. Allele origin: germline. Affected: yes. Observed: 1 variant allele.
Comment: COQ8A: BP4, BP7

Blueprint Genetics
Classification: Likely benign. Last evaluated: 2024-05-16. Review status: criteria provided, single submitter. Criteria: ACMG Guidelines, 2015. Collection method: clinical testing. Allele origin: germline.

GeneDx
Classification: Likely benign. Last evaluated: 2021-01-06. Review status: criteria provided, single submitter. Criteria: GeneDx Variant Classification Process June 2021. Collection method: clinical testing. Allele origin: germline. Affected: yes.

PreventionGenetics, part of Exact Sciences
Classification: Likely benign for COQ8A-related condition. Last evaluated: 2019-07-12. Review status: no assertion criteria provided. Collection method: clinical testing. Allele origin: germline. Not counted in ClinVar's aggregate classification.
Comment: This variant is classified as likely benign based on ACMG/AMP sequence variant interpretation guidelines (Richards et al. 2015 PMID: 25741868, with internal and published modifications).

NM_020247.5(COQ8A):c.789C>T (p.Ile263=)

Gene: COQ8A (coenzyme Q8A; plus strand). Cytogenetic location: 1q42.13.
Variant type: single nucleotide variant.
Coding change: c.789C>T on transcript NM_020247.5 (MANE Select); coding-DNA position 789, C replaced by T.
Protein change: p.Ile263=; no amino-acid change (isoleucine 263 retained).
Molecular consequence: synonymous variant.
Genome position (GRCh38, 1-based): chr1:226,982,085, C>T. VCF-style: chr1-226982085-C-T. GRCh37 (hg19) VCF-style: chr1-227169786-C-T.
Identifiers: ClinVar variation 514923 (VCV000514923.31), dbSNP rs375123701, ClinGen allele CA1425154.